The following is an entry in ClinVar:

ClinVar aggregate classification (germline): Uncertain significance (1 of 4 stars; one submission).

Allele frequency attached by ClinVar (database versions not stated): gnomAD 0.00001; TOPMed below 0.00001.

Submission:

Labcorp Genetics (formerly Invitae), Labcorp
Classification: Uncertain significance. Last evaluated: 2021-12-03. Review status: criteria provided, single submitter. Criteria: Invitae Variant Classification Sherloc (09022015). Collection method: clinical testing. Allele origin: germline.
Comment: This sequence change replaces glutamic acid, which is acidic and polar, with glycine, which is neutral and non-polar, at codon 382 of the SEPSECS protein (p.Glu382Gly). The frequency data for this variant in the population databases is considered unreliable, as metrics indicate poor data quality at this position in the gnomAD database. This variant has not been reported in the literature in individuals affected with SEPSECS-related conditions. Algorithms developed to predict the effect of missense changes on protein structure and function output the following: SIFT: "Tolerated"; PolyPhen-2: "Benign"; Align-GVGD: "Class C0". The glycine amino acid residue is found in multiple mammalian species, which suggests that this missense change does not adversely affect protein function. In summary, the available evidence is currently insufficient to determine the role of this variant in disease. Therefore, it has been classified as a Variant of Uncertain Significance.

NM_016955.4(SEPSECS):c.1145A>G (p.Glu382Gly)

Gene: SEPSECS (Sep (O-phosphoserine) tRNA:Sec (selenocysteine) tRNA synthase; minus strand). Cytogenetic location: 4p15.2.
Variant type: single nucleotide variant.
Coding change: c.1145A>G on transcript NM_016955.4 (MANE Select); coding-DNA position 1145, A replaced by G.
Protein change: p.Glu382Gly; replaces glutamic acid 382 with glycine.
Molecular consequence: missense variant.
Genome position (GRCh38, 1-based): chr4:25,125,760, T>C on the plus strand (A>G on the coding strand, the complement: SEPSECS is on the minus strand). VCF-style: chr4-25125760-T-C. GRCh37 (hg19) VCF-style: chr4-25127382-T-C.
Other names: short protein forms E382G.
Identifiers: ClinVar variation 1499644 (VCV001499644.5), dbSNP rs1223475878, ClinGen allele CA356533347.